The following is an entry in ClinVar:

ClinVar aggregate classification (germline): Benign/Likely benign. Review status: criteria provided, multiple submitters, no conflicts (2 of 4 stars). 3 submissions from 3 submitters: Benign (2); Likely benign (1). Last evaluated 2023-07-01.

Allele frequency attached by ClinVar (database versions not stated): 1000 Genomes Project 30x 0.00094; 1000 Genomes Project 0.00120; gnomAD exomes 0.00271 and 0.00334; gnomAD 0.00282 and 0.00283; TOPMed 0.00320; ESP Exome Variant Server 0.00354; ExAC 0.00355.
gnomAD v4.1: 4,491 of 1,614,018 alleles (0.28%); highest among the groups gnomAD compares: Middle Eastern, 1%; 16 homozygotes.

Submissions (3):

CeGaT Center for Human Genetics Tuebingen
Classification: Likely benign. Last evaluated: 2023-07-01. Review status: criteria provided, single submitter. Criteria: CeGaT Center For Human Genetics Tuebingen Variant Classification Criteria Version 2. Collection method: clinical testing. Allele origin: germline. Affected: yes. Observed: 3 variant alleles.
Comment: TLR1: BS2

Labcorp Genetics (formerly Invitae), Labcorp
Classification: Benign. Last evaluated: 2018-08-07. Review status: criteria provided, single submitter. Criteria: Invitae Variant Classification Sherloc (09022015). Collection method: clinical testing. Allele origin: germline.

Breakthrough Genomics
Classification: Benign. Review status: criteria provided, single submitter. Criteria: ACMG Guidelines, 2015. Collection method: not provided. Allele origin: germline. Inheritance: Unknown mechanism. Affected: yes.

NM_003263.4(TLR1):c.171A>G (p.Ile57Met)

Gene: TLR1 (toll like receptor 1; minus strand). Cytogenetic location: 4p14.
Variant type: single nucleotide variant.
Coding change: c.171A>G on transcript NM_003263.4 (MANE Select); coding-DNA position 171, A replaced by G.
Protein change: p.Ile57Met; replaces isoleucine 57 with methionine.
Molecular consequence: missense variant.
Genome position (GRCh38, 1-based): chr4:38,798,661, T>C on the plus strand (A>G on the coding strand, the complement: TLR1 is on the minus strand). VCF-style: chr4-38798661-T-C. GRCh37 (hg19) VCF-style: chr4-38800282-T-C.
Other names: short protein forms I57M.
Identifiers: ClinVar variation 775216 (VCV000775216.28), dbSNP rs145135062, ClinGen allele CA2889589.
Genomic context (GRCh38, chr4:38,798,661, plus strand): 5'-AGAAATTATCAAAATCCTCAGTTTTGACAGTGATAAGATGTCAGAAGTCCAAAGCTCAGA[T>C]ATATAATTTTGCGATATATTTAAGATTGTTGTTTTCTGGGATAGGTCTTTAGGAACGTGG-3'
Protein context (NP_003254.2, residues 47-67): TTILNISQNY[Ile57Met]SELWTSDILS